The following is an entry in ClinVar:

ClinVar aggregate classification (germline): Pathogenic (1 of 4 stars; one submission).

Submission:

Quest Diagnostics Nichols Institute San Juan Capistrano
Classification: Pathogenic. Last evaluated: 2024-05-30. Review status: criteria provided, single submitter. Criteria: ACMG/ClinGen CNV Guidelines, 2019. Collection method: clinical testing. Allele origin: unknown.
Comment: This copy number loss involves multiple protein-coding genes and overlaps the proposed 8p23.2-pter microdeletion syndromic region (Shi 2017). Individuals with comparable or smaller deletions of this region have been reported with various phenotypes (Shi 2017, Burnside 2013, Catusi 2021, Kessi 2018, Wu 2010). Catusi et al. (2021) suggested DLGAP2, CLN8, and ARHGEF10 as plausible candidate genes. Therefore, this copy number variant (CNV) is classified as pathogenic. References: Burnside et al., Am J Med Genet A. 2013 Apr;161A(4):822-8. PMID: 23495222; Catusi et al., Genes (Basel). 2021 Apr 27;12(5):652. PMID: 33925474; Kessi et al., Front Neurol. 2018 Nov 19;9:947. PMID: 30510536; Shi et al., Mol Med Rep. 2017 Nov;16(5):6837-6845. PMID: 28901431; Wu et al., BMC Med Genet. 2010 May 11;11:72. PMID: 20459802

GRCh37/hg19 8p23.3-23.2(chr8:158049-3936904)x1

Genes: ARHGEF10 (Rho guanine nucleotide exchange factor 10; plus strand), CLN8 (CLN8 transmembrane ER and ERGIC protein; plus strand), CSMD1 (CUB and Sushi multiple domains 1; minus strand), DLGAP2 (DLG associated protein 2; plus strand), ERICH1 (glutamate rich 1; minus strand) and 5 more. Cytogenetic location: 8p23.3-23.2.
Variant type: copy number loss.
Change: copy number 1 (one copy instead of two) of chr8:158,049-3,936,904 (3.78 Mb, GRCh37 coordinates, 1-based), cytogenetic band 8p23.3-23.2.
Identifiers: ClinVar variation 3391901 (VCV003391901.1).